The following is an entry in ClinVar:

ClinVar aggregate classification (germline): Pathogenic. Review status: reviewed by expert panel (3 of 4 stars). 10 submissions from 10 submitters: Pathogenic (1). 9 of the submissions do not count toward it. Last evaluated 2025-04-01.

Conditions:
Glycogen storage disease, type II (IOPD). Also called: Glucosidase acid-1,4-alpha deficiency; CARDIOMEGALIA GLYCOGENICA DIFFUSA; GLYCOGENOSIS, GENERALIZED, CARDIAC FORM; GSD II; Glycogen storage disease type 2; Acid maltase deficiency disease. Identifiers: Orphanet 365, MedGen C0017921, MONDO:0009290, OMIM 232300.

gnomAD v4.1: 10 of 1,604,030 alleles (0.00062%); highest among the groups gnomAD compares: Non-Finnish European, 0.00085%; no homozygotes.

Submissions (10):

ClinGen Lysosomal Storage Disorder Variant Curation Expert Panel
Classification: Pathogenic for Glycogen storage disease, type II. Last evaluated: 2025-04-01. Review status: reviewed by expert panel. Criteria: clingen_lsd_acmg_specifications_v2-1. Collection method: curation. Allele origin: germline. Inheritance: Autosomal recessive inheritance.
Comment: The NM_000152.5:c.546G>C variant alters that last nucleotide of exon 2 of GAA, but does not result in an amino acid change (p.Thr182=). Study using minigene analysis showed that the variant disrupts normal splicing, resulting in skipping of exon 2, with a low proportion of normal transcripts produced (PMID: 31301153). In addition, deletion of exon 2 results in complete loss of enzyme activity when expressed in heterologous cells (PMID: 7881425, 7717400). As this variant appears to allow a low level of normal splicing to occur, PVS1 was applied at the strong level (PVS1_Strong). At least 4 late-onset Pompe Disease patient with this variant had documented GAA deficiency or activity in the affected range in any appropriate tissue (PMID: 17616415, clinical lab data) (PP4_Moderate). One patient is compound heterozygous for the variant and c.-32-13T>G that has been classified as pathogenic by the ClinGen LD VCEP, phase not confirmed (PMID: 17616415). This variant has also been detected in a Pompe disease patient who was heterozygous with c.2608C>T (p.Arg870*, Pathogenic by LD VCEP), and in 3 additional patients with homozygous (Revvity Omics and Duke lab data) (PM3_Strong). The highest population minor allele frequency in gnomAD v4.1.0 is 0.000008496 (10/1177056 alleles) in the European Non-Finnish population, which is lower than the ClinGen Lysosomal Diseases VCEP’s threshold for PM2_Supporting (<0.001), meeting this criterion (PM2_Supporting). Other variants at the same nucleotide position (c.546G>T, c.546G>A), and in the same splice region (c.546+1G>T, c.546+2T>C, c.546+5G>T, and c.546del2‐5) have been reported in individuals with Pompe disease. All of these variants have been shown to result in skipping of exon 2 using a minigene assay (PMID: 31301153, 39905333). c.546G>T and c.546G>A have been classified as pathogenic by the ClinGen Lysosomal Diseases VCEP (PS1_Moderate).The computational splicing predictor SpliceAI gives a score of 0.84 for donor loss, predicting that the variant disrupts the donor splice site of intron 2 of GAA. But PP3 was not applied as PVS1 was applied. There is a ClinVar entry for this variant (Variation ID: 281056; 2 star review status) with 4 submitters classifying the variant as pathogenic, and 4 submitters classifying it as likely pathogenic. In summary, this variant meets the criteria to be classified as pathogenic for Pompe disease. GAA-specific ACMG/AMP criteria applied, based in the specification of the ClinGen Lysosomal Diseases VCEP: PVS1_Strong, PS1_Moderate, PM3_Strong, PP4_Moderate, PM2_Supporting. (Classification approved by the ClinGen Lysosomal Diseases Variant Curation Expert Panel on April 1, 2025)

Genomenon, Inc
Classification: Likely pathogenic for Glycogen storage disease, type II. Last evaluated: 2026-07-01. Review status: criteria provided, single submitter. Criteria: Genomenon Sequence Variant Interpretation Standards - Updated. Collection method: curation. Allele origin: germline. Affected: yes. Not counted in ClinVar's aggregate classification.
Comment: GAA c.546G>C is a synonymous variant that retains Threonine at codon 182. This variant has been observed in at least one proband with a GAA-related disorder in the compound heterozygous and/or homozygous state (PMID:37087815;33972680;31606152;17616415). At least one splicing study has demonstrated that this variant results in aberrant splicing (PMID:31301153). It is absent or not present at a significant frequency in gnomAD. In conclusion, we classify GAA c.546G>C (p.Thr182=) as a likely pathogenic variant.

Labcorp Genetics (formerly Invitae), Labcorp
Classification: Pathogenic for Glycogen storage disease, type II. Last evaluated: 2025-11-28. Review status: criteria provided, single submitter. Criteria: Invitae Variant Classification Sherloc (09022015). Collection method: clinical testing. Allele origin: germline. Not counted in ClinVar's aggregate classification.
Comment: This sequence change affects codon 182 of the GAA mRNA. It is a 'silent' change, meaning that it does not change the encoded amino acid sequence of the GAA protein. RNA analysis indicates that this variant induces altered splicing and is likely to result in the loss of the initiator methionine. This variant is present in population databases (no rsID available, gnomAD 0.002%). This variant has been observed in individual(s) with Pompe disease (PMID: 17616415). ClinVar contains an entry for this variant (Variation ID: 281056). Variants that disrupt the consensus splice site are a relatively common cause of aberrant splicing (PMID: 17576681, 9536098). Studies have shown that this variant results in skipping of skipping of exon 2, and is expected to result in the loss of the initiator methionine (PMID: 31301153). This variant disrupts the c.546G nucleotide in the GAA gene. Other variant(s) that disrupt this nucleotide have been determined to be pathogenic (PMID: 14695532, 21484825, 25037089; internal data). This suggests that this nucleotide is clinically significant, and that variants that disrupt this position are likely to be disease-causing. For these reasons, this variant has been classified as Pathogenic.

Natera, Inc.
Classification: Likely pathogenic for Glycogen storage disease type II. Last evaluated: 2024-10-22. Review status: criteria provided, single submitter. Criteria: Natera Variant Classification Schema (03/2026). Collection method: clinical testing. Allele origin: germline. Not counted in ClinVar's aggregate classification.
Comment: The c.546G>C variant in GAA is a synonymous variant that does not alter the encoded amino acid at position 182 (p.T182=). This variant is rare in the general population with a frequency below the threshold expected for the associated phenotype(s). This variant has been observed in one or more individuals affected with the associated recessive disease, as either homozygous or compound heterozygous with a second variant (PMID: 33972680, 17616415, 19609281, 35123877, 37670900). Functional studies show that this variant may disrupt protein function (PMID: 31301153). Computational prediction algorithms indicate this variant is likely to affect gene or protein function. Given the available evidence, this variant is classified as Likely Pathogenic.

Baylor Genetics
Classification: Pathogenic for Glycogen storage disease, type II. Last evaluated: 2023-03-06. Review status: criteria provided, single submitter. Criteria: ACMG Guidelines, 2015. Collection method: clinical testing. Allele origin: unknown. Not counted in ClinVar's aggregate classification.

Revvity Omics, Revvity
Classification: Likely pathogenic. Last evaluated: 2022-09-26. Review status: criteria provided, single submitter. Criteria: ACMG Guidelines, 2015. Collection method: clinical testing. Allele origin: germline. Not counted in ClinVar's aggregate classification.

Fulgent Genetics
Classification: Likely pathogenic for Glycogen storage disease, type II. Last evaluated: 2021-11-22. Review status: criteria provided, single submitter. Criteria: ACMG Guidelines, 2015. Collection method: clinical testing. Allele origin: unknown. Not counted in ClinVar's aggregate classification.

AiLife Diagnostics
Classification: Likely pathogenic. Last evaluated: 2021-10-19. Review status: criteria provided, single submitter. Criteria: ACMG Guidelines, 2015. Collection method: clinical testing. Allele origin: germline. Affected: yes. Observed: 3 variant alleles. Not counted in ClinVar's aggregate classification.

Broad Center for Mendelian Genomics, Broad Institute of MIT and Harvard
Classification: Likely pathogenic for Glycogen storage disease, type II. Last evaluated: 2020-01-22. Review status: criteria provided, single submitter. Criteria: ACMG Guidelines, 2015. Collection method: curation. Allele origin: germline. Inheritance: Autosomal recessive inheritance. Not counted in ClinVar's aggregate classification.
Comment: This variant has been identified in 0.002% (2/106330) of European (non-Finnish) chromosomes by the Genome Aggregation Database (gnomAD; dbSNP rs143523371). Although this variant has been seen in the general population, its frequency is low enough to be consistent with a recessive carrier frequency. This variant is located in the last three bases of the exon, which is part of the 5' splice region. Computational tools do suggest an impact to splicing. The Threonine (Thr) at position 182 is not well conserved in mammals or evolutionary distant species, raising the possibility that a change at this position may be tolerated. However, this information is not predictive enough to determine pathogenicity. The presence of this variant in combination with a pathogenic variant and in an individual with Glycogen Storage Disease II slightly increases the likelihood that the c.546G>C variant is pathogenic (PMID: 17616415). The phenotype of an individual heterozygous for this variant is highly specific for Glycogen Storage Disease II with only 21% of control GAA activity detected in patient fibroblasts (PMID: 17616415). Two additional variants at the same position, c.546G>T and c.546G>A, have been reported as a VUS or likely pathogenic in association with Glycogen Storage Disease II in ClinVar, supporting that a change at this position may not be tolerated (Variation ID: 370637, 280955). In summary, although additional studies are required to fully establish its clinical significance, this variant is likely pathogenic. ACMG/AMP Criteria applied: PM2, PP3, PP4, PM3_Supporting, PM5_Supporting (Richards 2015).

Eurofins Ntd Llc (ga)
Classification: Pathogenic. Last evaluated: 2015-07-06. Review status: criteria provided, single submitter. Criteria: EGL Classification Definitions 2015. Collection method: clinical testing. Allele origin: germline. Observed: 4 variant alleles, 2 heterozygotes, 2 homozygotes. Not counted in ClinVar's aggregate classification.

Literature cited by the submitters: PubMed 37087815 (cited by Genomenon, Inc); PubMed 33972680 (cited by Genomenon, Inc and Natera, Inc.); PubMed 31606152 (cited by Genomenon, Inc); PubMed 17616415 (cited by 6 submitters); PubMed 31301153 (cited by 4 submitters); PubMed 17576681 (cited by Labcorp Genetics (formerly Invitae), Labcorp); PubMed 9536098 (cited by Labcorp Genetics (formerly Invitae), Labcorp); PubMed 14695532 (cited by Labcorp Genetics (formerly Invitae), Labcorp and Eurofins Ntd Llc (ga)); PubMed 21484825 (cited by Labcorp Genetics (formerly Invitae), Labcorp); PubMed 25037089 (cited by Labcorp Genetics (formerly Invitae), Labcorp); PubMed 19609281 (cited by Natera, Inc. and Eurofins Ntd Llc (ga)); PubMed 35123877 (cited by Natera, Inc.); PubMed 37670900 (cited by Natera, Inc.); PubMed 25525159 (cited by AiLife Diagnostics).

NM_000152.5(GAA):c.546G>C (p.Thr182=)

Gene: GAA (alpha glucosidase; plus strand). Cytogenetic location: 17q25.3.
Variant type: single nucleotide variant.
Coding change: c.546G>C on transcript NM_000152.5 (MANE Select); coding-DNA position 546, G replaced by C.
Protein change: p.Thr182=; no amino-acid change (threonine 182 retained).
Molecular consequence: synonymous variant.
Genome position (GRCh38, 1-based): chr17:80,105,132, G>C. VCF-style: chr17-80105132-G-C. GRCh37 (hg19) VCF-style: chr17-78078931-G-C.
Other names: c.546G>C (NM_001079803.2, NM_000152.4); c.546G>C, p.Thr182= (NM_001079803.3, NM_001079804.3).
Identifiers: ClinVar variation 281056 (VCV000281056.25), dbSNP rs143523371, ClinGen allele CA10603795.
Genomic context (GRCh38, chr17:80,105,132, plus strand): 5'-GGACATCCTGACCCTGCGGCTGGACGTGATGATGGAGACTGAGAACCGCCTCCACTTCAC[G>C]GTGGGCAGGGCAGGGGCGGGGGCGGCGGCCAGGGCAGAGGGTGCGCGTGGACATCGACAC-3'
Protein context (NP_000143.2, residues 172-192): MMETENRLHF[Thr182=]IKDPANRRYE